The following is an entry in ClinVar:

NM_206937.2(LIG4):c.2611C>T (p.Arg871Cys)

Gene: LIG4 (DNA ligase 4; minus strand). Cytogenetic location: 13q33.3.
Variant type: single nucleotide variant.
Coding change: c.2611C>T on transcript NM_206937.2 (MANE Select); coding-DNA position 2611, C replaced by T.
Protein change: p.Arg871Cys; replaces arginine 871 with cysteine.
Molecular consequence: missense variant.
Genome position (GRCh38, 1-based): chr13:108,208,658, G>A on the plus strand (C>T on the coding strand, the complement: LIG4 is on the minus strand). VCF-style: chr13-108208658-G-A. GRCh37 (hg19) VCF-style: chr13-108861006-G-A.
Other names: c.2611C>T, p.Arg871Cys (NM_001098268.2, NM_001352598.2, NM_001352599.2 and 6 more transcripts); c.2410C>T, p.Arg804Cys (NM_001330595.2); c.2647C>T, p.Arg883Cys (NM_001352604.2); short protein forms R804C, R871C, R883C.
Identifiers: ClinVar variation 1436663 (VCV001436663.5), dbSNP rs1423437711, ClinGen allele CA388610615.

ClinVar aggregate classification (germline): Uncertain significance (1 of 4 stars; one submission).

Conditions:
DNA ligase IV deficiency. Identifiers: Orphanet 99812, MedGen C1847827, MONDO:0011686, OMIM 606593.

Allele frequency attached by ClinVar (database versions not stated): gnomAD exomes below 0.00001 and 0.00001; gnomAD 0.00001; TOPMed 0.00001.

Submission:

Labcorp Genetics (formerly Invitae), Labcorp
Classification: Uncertain significance for DNA ligase IV deficiency. Last evaluated: 2022-08-31. Review status: criteria provided, single submitter. Criteria: Invitae Variant Classification Sherloc (09022015). Collection method: clinical testing. Allele origin: germline.
Comment: This sequence change replaces arginine, which is basic and polar, with cysteine, which is neutral and slightly polar, at codon 871 of the LIG4 protein (p.Arg871Cys). This variant is present in population databases (no rsID available, gnomAD 0.0009%). This variant has not been reported in the literature in individuals affected with LIG4-related conditions. ClinVar contains an entry for this variant (Variation ID: 1436663). Algorithms developed to predict the effect of missense changes on protein structure and function are either unavailable or do not agree on the potential impact of this missense change (SIFT: "Deleterious"; PolyPhen-2: "Probably Damaging"; Align-GVGD: "Class C0"). In summary, the available evidence is currently insufficient to determine the role of this variant in disease. Therefore, it has been classified as a Variant of Uncertain Significance.